The following is an entry in ClinVar:

NM_005121.3(MED13):c.971C>T (p.Thr324Met)

Gene: MED13 (mediator complex subunit 13; minus strand). Cytogenetic location: 17q23.2.
Variant type: single nucleotide variant.
Coding change: c.971C>T on transcript NM_005121.3 (MANE Select); coding-DNA position 971, C replaced by T.
Protein change: p.Thr324Met; replaces threonine 324 with methionine.
Molecular consequence: missense variant.
Genome position (GRCh38, 1-based): chr17:62,031,482, G>A on the plus strand (C>T on the coding strand, the complement: MED13 is on the minus strand). VCF-style: chr17-62031482-G-A. GRCh37 (hg19) VCF-style: chr17-60108843-G-A.
Other names: c.971C>T (NM_005121.2); short protein forms T324M.
Identifiers: ClinVar variation 1710280 (VCV001710280.3), dbSNP rs2509160506, ClinGen allele CA400785633.

ClinVar aggregate classification (germline): Uncertain significance. Review status: criteria provided, single submitter (1 of 4 stars). 2 submissions from 2 submitters: Uncertain significance (1). 1 of the submissions does not count toward it. Last evaluated 2024-05-16.

Conditions:
Intellectual developmental disorder 61. Also called: INTELLECTUAL DEVELOPMENTAL DISORDER, AUTOSOMAL DOMINANT 61; MENTAL RETARDATION, AUTOSOMAL DOMINANT 61. Identifiers: MedGen C5231400, MONDO:0032485, OMIM 618009.

Allele frequency attached by ClinVar (database versions not stated): gnomAD exomes below 0.00001.
gnomAD v4.1: 1 of 1,613,242 alleles (0.000062%); highest among the groups gnomAD compares: Non-Finnish European, 0.000085%; no homozygotes.

Submissions (2):

GeneDx
Classification: Uncertain significance. Last evaluated: 2024-05-16. Review status: criteria provided, single submitter. Criteria: GeneDx Variant Classification Process June 2021. Collection method: clinical testing. Allele origin: germline. Affected: yes.
Comment: Not observed at significant frequency in large population cohorts (gnomAD); In silico analysis indicates that this missense variant does not alter protein structure/function; Has not been previously published as pathogenic or benign to our knowledge

Clinical Genetics Laboratory, University Hospital Schleswig-Holstein
Classification: Uncertain significance for Intellectual developmental disorder 61. Last evaluated: 2022-07-01. Review status: no assertion criteria provided. Collection method: clinical testing. Allele origin: germline. Affected: yes. Not counted in ClinVar's aggregate classification.